The following is an entry in ClinVar:

ClinVar aggregate classification (germline): Uncertain significance. Review status: criteria provided, multiple submitters, no conflicts (2 of 4 stars). 3 submissions from 3 submitters: Uncertain significance (3). Last evaluated 2025-09-27.

Conditions:
Cardiovascular phenotype. Identifiers: MedGen CN230736.

Allele frequency attached by ClinVar (database versions not stated): gnomAD 0.00001.

Submissions (3):

Labcorp Genetics (formerly Invitae), Labcorp
Classification: Uncertain significance. Last evaluated: 2025-09-27. Review status: criteria provided, single submitter. Criteria: Invitae Variant Classification Sherloc (09022015). Collection method: clinical testing. Allele origin: germline.
Comment: This sequence change replaces glycine, which is neutral and non-polar, with aspartic acid, which is acidic and polar, at codon 1448 of the ALPK3 protein (p.Gly1448Asp). This variant is not present in population databases (gnomAD no frequency). This variant has not been reported in the literature in individuals affected with ALPK3-related conditions. ClinVar contains an entry for this variant (Variation ID: 1302520). An algorithm developed to predict the effect of missense changes on protein structure and function outputs the following: PolyPhen-2: "Benign". The aspartic acid amino acid residue is found in multiple mammalian species, which suggests that this missense change does not adversely affect protein function. In summary, the available evidence is currently insufficient to determine the role of this variant in disease. Therefore, it has been classified as a Variant of Uncertain Significance.

Ambry Genetics
Classification: Uncertain significance for Cardiovascular phenotype. Last evaluated: 2023-03-07. Review status: criteria provided, single submitter. Criteria: Ambry Variant Classification Scheme 2023. Collection method: clinical testing. Allele origin: germline.
Comment: The p.G1448D variant (also known as c.4343G>A), located in coding exon 6 of the ALPK3 gene, results from a G to A substitution at nucleotide position 4343. The glycine at codon 1448 is replaced by aspartic acid, an amino acid with similar properties. This amino acid position is conserved. In addition, this alteration is predicted to be tolerated by in silico analysis. Since supporting evidence is limited at this time, the clinical significance of this alteration remains unclear.

GeneDx
Classification: Uncertain significance. Last evaluated: 2019-06-25. Review status: criteria provided, single submitter. Criteria: GeneDx Variant Classification Process June 2021. Collection method: clinical testing. Allele origin: germline. Affected: yes.

NM_020778.5(ALPK3):c.3737G>A (p.Gly1246Asp)

Gene: ALPK3 (alpha kinase 3; plus strand). Cytogenetic location: 15q25.3.
Variant type: single nucleotide variant.
Coding change: c.3737G>A on transcript NM_020778.5 (MANE Select); coding-DNA position 3737, G replaced by A.
Protein change: p.Gly1246Asp; replaces glycine 1246 with aspartic acid.
Molecular consequence: missense variant.
Genome position (GRCh38, 1-based): chr15:84,858,475, G>A. VCF-style: chr15-84858475-G-A. GRCh37 (hg19) VCF-style: chr15-85401706-G-A.
Other names: short protein forms G1246D.
Identifiers: ClinVar variation 1302520 (VCV001302520.6), dbSNP rs1963898743, ClinGen allele CA393360854.
Genomic context (GRCh38, chr15:84,858,475, plus strand): 5'-TGCCTCGGGCAGAGGAGGAGCTGGCGGCAGGAGACCTGGGCCCCAGCCCCAAGGCCGGCG[G>A]TCTGGACACAGAGGTGGCCCTGGATGAAGGCAAGCAGGAGACACTGGCCAAGCCCAGGAA-3'
Protein context (NP_065829.4, residues 1236-1256): GDLGPSPKAG[Gly1246Asp]LDTEVALDEG